The following is an entry in ClinVar:

ClinVar aggregate classification (germline): Likely benign. Review status: criteria provided, multiple submitters, no conflicts (2 of 4 stars). 4 submissions from 4 submitters: Likely benign (4). Last evaluated 2025-12-24.

Conditions:
Joubert syndrome 3 (JBTS3). Also called: AHI1-related Ciliopathy. Identifiers: Orphanet 220493, MedGen C1837713, MONDO:0012078, OMIM 608629.
Joubert syndrome. Also called: Familial aplasia of the vermis; JOUBERT-BOLTSHAUSER SYNDROME. Identifiers: Orphanet 475, MedGen C5979921, MONDO:0018772.
AHI1-related disorder. Also called: AHI1-related condition.

Allele frequency attached by ClinVar (database versions not stated): gnomAD exomes 0.00003 and 0.00011; ExAC 0.00026; gnomAD 0.00034 and 0.00035; TOPMed 0.00035; ESP Exome Variant Server 0.00077; 1000 Genomes Project 0.00080; 1000 Genomes Project 30x 0.00094.
gnomAD v4.1: 99 of 1,585,636 alleles (0.0062%); highest among the groups gnomAD compares: African/African-American, 0.13%; no homozygotes.

Submissions (4):

Labcorp Genetics (formerly Invitae), Labcorp
Classification: Likely benign for Joubert syndrome. Last evaluated: 2025-12-24. Review status: criteria provided, single submitter. Criteria: Invitae Variant Classification Sherloc (09022015). Collection method: clinical testing. Allele origin: germline.

PreventionGenetics, part of Exact Sciences
Classification: Likely benign for AHI1-related condition. Last evaluated: 2024-11-25. Review status: criteria provided, single submitter. Criteria: ACMG Guidelines, 2015. Collection method: clinical testing. Allele origin: germline.
Comment: This variant is classified as likely benign based on ACMG/AMP sequence variant interpretation guidelines (Richards et al. 2015 PMID: 25741868, with internal and published modifications).

Blueprint Genetics
Classification: Likely benign. Last evaluated: 2022-06-06. Review status: criteria provided, single submitter. Criteria: ACMG Guidelines, 2015. Collection method: clinical testing. Allele origin: germline.

Fulgent Genetics
Classification: Likely benign for Joubert syndrome 3. Last evaluated: 2021-10-27. Review status: criteria provided, single submitter. Criteria: ACMG Guidelines, 2015. Collection method: clinical testing. Allele origin: unknown.

NM_001134831.2(AHI1):c.2418G>A (p.Leu806=)

Gene: AHI1 (Abelson helper integration site 1; minus strand). Cytogenetic location: 6q23.3.
Variant type: single nucleotide variant.
Coding change: c.2418G>A on transcript NM_001134831.2 (MANE Select); coding-DNA position 2418, G replaced by A.
Protein change: p.Leu806=; no amino-acid change (leucine 806 retained).
Molecular consequence: synonymous variant.
Genome position (GRCh38, 1-based): chr6:135,429,956, C>T on the plus strand (G>A on the coding strand, the complement: AHI1 is on the minus strand). VCF-style: chr6-135429956-C-T. GRCh37 (hg19) VCF-style: chr6-135751094-C-T.
Other names: c.2418G>A, p.Leu806= (NM_001134830.2, NM_001134832.2, NM_001350503.2 and 2 more transcripts).
Identifiers: ClinVar variation 1113721 (VCV001113721.10), dbSNP rs201235386, ClinGen allele CA4012379.